The following is an entry in ClinVar:

ClinVar aggregate classification (germline): Uncertain significance (1 of 4 stars; one submission).

Conditions:
Transcobalamin I deficiency (TCN1D). Also called: TCN1 DEFICIENCY; COBALAMIN PSEUDODEFICIENCY DUE TO TRANSCOBALAMIN DEFICIENCY; COBALAMIN R BINDER PROTEIN DEFICIENCY. Identifiers: Orphanet 2967, MedGen C0342700, MONDO:0008659, OMIM 193090.

gnomAD v4.1: 8 of 1,614,104 alleles (0.0005%); highest among the groups gnomAD compares: Middle Eastern, 0.049%; no homozygotes.

Submission:

Labcorp Genetics (formerly Invitae), Labcorp
Classification: Uncertain significance for Transcobalamin I deficiency. Last evaluated: 2022-04-12. Review status: criteria provided, single submitter. Criteria: Invitae Variant Classification Sherloc (09022015). Collection method: clinical testing. Allele origin: germline.
Comment: This sequence change replaces leucine, which is neutral and non-polar, with proline, which is neutral and non-polar, at codon 411 of the TCN1 protein (p.Leu411Pro). This variant is present in population databases (rs755268122, gnomAD 0.004%). This variant has not been reported in the literature in individuals affected with TCN1-related conditions. Algorithms developed to predict the effect of missense changes on protein structure and function are either unavailable or do not agree on the potential impact of this missense change (SIFT: "Deleterious"; PolyPhen-2: "Probably Damaging"; Align-GVGD: "Class C0"). In summary, the available evidence is currently insufficient to determine the role of this variant in disease. Therefore, it has been classified as a Variant of Uncertain Significance.

NM_001062.4(TCN1):c.1232T>C (p.Leu411Pro)

Gene: TCN1 (transcobalamin 1; minus strand). Cytogenetic location: 11q12.1.
Variant type: single nucleotide variant.
Coding change: c.1232T>C on transcript NM_001062.4 (MANE Select); coding-DNA position 1232, T replaced by C.
Protein change: p.Leu411Pro; replaces leucine 411 with proline.
Molecular consequence: missense variant.
Genome position (GRCh38, 1-based): chr11:59,853,211, A>G on the plus strand (T>C on the coding strand, the complement: TCN1 is on the minus strand). VCF-style: chr11-59853211-A-G. GRCh37 (hg19) VCF-style: chr11-59620684-A-G.
Other names: short protein forms L411P.
Identifiers: ClinVar variation 2072468 (VCV002072468.1), dbSNP rs755268122, ClinGen allele CA6021762.